The following is an entry in ClinVar:

NM_006796.3(AFG3L2):c.2182C>T (p.Leu728Phe)

Genes: AFG3L2 (AFG3 like matrix AAA peptidase subunit 2; minus strand), TUBB6 (tubulin beta 6 class V; plus strand). Cytogenetic location: 18p11.21.
Variant type: single nucleotide variant.
Coding change: c.2182C>T on transcript NM_006796.3 (MANE Select); coding-DNA position 2182, C replaced by T.
Protein change: p.Leu728Phe; replaces leucine 728 with phenylalanine.
Molecular consequence: missense variant. On other transcripts: 3 prime UTR variant (1).
Genome position (GRCh38, 1-based): chr18:12,329,777, G>A on the plus strand (C>T on the coding strand, the complement: AFG3L2 is on the minus strand). VCF-style: chr18-12329777-G-A. GRCh37 (hg19) VCF-style: chr18-12329776-G-A.
Other names: c.*594G>A (NM_001303525.2); short protein forms L728F.
Identifiers: ClinVar variation 4978837 (VCV004978837.1).
Genomic context (GRCh38, chr18:12,329,777, plus strand): 5'-TGGGGCCCAAAAGTTCAACCATATCATTCTTATCTAATACTTCTTTTTCTAACAACAGAA[G>A]AGCAACCTGAAATATGAACAATTTTCATTAAATACAGTTACTCAGCAAAGTCTATTCAGA-3'
Protein context (NP_006787.2, residues 718-738): EKKADVEKVA[Leu728Phe]LLLEKEVLDK

ClinVar aggregate classification (germline): Uncertain significance (1 of 4 stars; one submission).

Conditions:
AFG3L2-related disorder. Also called: AFG3L2-related condition.

gnomAD v4.1: 14 of 1,612,894 alleles (0.00087%); highest among the groups gnomAD compares: East Asian, 0.0089%; no homozygotes.

Submission:

PreventionGenetics, part of Exact Sciences
Classification: Uncertain significance for AFG3L2-related condition. Last evaluated: 2026-04-22. Review status: criteria provided, single submitter. Criteria: ACMG Guidelines, 2015. Collection method: clinical testing. Allele origin: germline.
Comment: The AFG3L2 c.2182C>T variant is predicted to result in the amino acid substitution p.Leu728Phe. To our knowledge, this variant has not been reported in the literature. This variant is reported in 0.011% of alleles in individuals of East Asian descent in gnomAD. At this time, the clinical significance of this variant is uncertain due to the absence of conclusive functional and genetic evidence.